The following is an entry in ClinVar:

ClinVar aggregate classification (germline): Uncertain significance. Review status: criteria provided, multiple submitters, no conflicts (2 of 4 stars). 4 submissions from 3 submitters: Uncertain significance (4). Last evaluated 2022-07-13.

Conditions:
Inborn genetic diseases. Identifiers: MedGen C0950123, MeSH D030342.
Charcot-Marie-Tooth disease type 4. Also called: Charcot-Marie-Tooth, Type 4; Charcot-Marie-Tooth disease, type IV. Identifiers: Orphanet 64749, MedGen C4082197, MONDO:0018995.
Susceptibility to mononeuropathy of the median nerve, mild. Also called: CARPAL TUNNEL SYNDROME, SUSCEPTIBILITY TO. Identifiers: MedGen C3150596, MONDO:0013237, OMIM 613353.
Charcot-Marie-Tooth disease type 4C (CMT4C). Also called: CHARCOT-MARIE-TOOTH DISEASE, DEMYELINATING, AUTOSOMAL RECESSIVE, TYPE 4C; CMT 4C; Charcot-Marie-Tooth Neuropathy Type 4C (CMT4C); CHARCOT-MARIE-TOOTH DISEASE, DEMYELINATING, TYPE 4C; SH3TC2-Related Hereditary Motor and Sensory Neuropathy. Identifiers: Orphanet 99949, MedGen C1866636, MONDO:0011113, OMIM 601596.

Allele frequency attached by ClinVar (database versions not stated): gnomAD 0.00001; gnomAD exomes 0.00001 and 0.00003; TOPMed 0.00002; ExAC 0.00005.
gnomAD v4.1: 22 of 1,613,742 alleles (0.0014%); highest among the groups gnomAD compares: Admixed American, 0.0033%; no homozygotes.

Submissions (4):

Labcorp Genetics (formerly Invitae), Labcorp
Classification: Uncertain significance for Charcot-Marie-Tooth disease type 4. Last evaluated: 2022-07-13. Review status: criteria provided, single submitter. Criteria: Invitae Variant Classification Sherloc (09022015). Collection method: clinical testing. Allele origin: germline.
Comment: In summary, the available evidence is currently insufficient to determine the role of this variant in disease. Therefore, it has been classified as a Variant of Uncertain Significance. Advanced modeling of protein sequence and biophysical properties (such as structural, functional, and spatial information, amino acid conservation, physicochemical variation, residue mobility, and thermodynamic stability) performed at Invitae indicates that this missense variant is not expected to disrupt SH3TC2 protein function. ClinVar contains an entry for this variant (Variation ID: 351909). This variant has not been reported in the literature in individuals affected with SH3TC2-related conditions. This variant is present in population databases (rs749260578, gnomAD 0.007%). This sequence change replaces proline, which is neutral and non-polar, with leucine, which is neutral and non-polar, at codon 630 of the SH3TC2 protein (p.Pro630Leu).

Ambry Genetics
Classification: Uncertain significance for Inborn genetic diseases. Last evaluated: 2022-02-03. Review status: criteria provided, single submitter. Criteria: Ambry Variant Classification Scheme 2023. Collection method: clinical testing. Allele origin: germline.
Comment: The p.P630L variant (also known as c.1889C>T), located in coding exon 11 of the SH3TC2 gene, results from a C to T substitution at nucleotide position 1889. The proline at codon 630 is replaced by leucine, an amino acid with similar properties. This amino acid position is conserved. In addition, this alteration is predicted to be tolerated by in silico analysis. Since supporting evidence is limited at this time, the clinical significance of this alteration remains unclear.

Illumina Laboratory Services, Illumina
Classification: Uncertain significance for Charcot-Marie-Tooth disease type 4C. Last evaluated: 2018-01-13. Review status: criteria provided, single submitter. Criteria: ICSL Variant Classification Criteria 13 December 2019. Collection method: clinical testing. Allele origin: germline.

Illumina Laboratory Services, Illumina
Classification: Uncertain significance for Susceptibility to mononeuropathy of the median nerve, mild. Last evaluated: 2018-01-13. Review status: criteria provided, single submitter. Criteria: ICSL Variant Classification Criteria 13 December 2019. Collection method: clinical testing. Allele origin: germline.

NM_024577.4(SH3TC2):c.1889C>T (p.Pro630Leu)

Gene: SH3TC2 (SH3 domain and tetratricopeptide repeats 2; minus strand). Cytogenetic location: 5q32.
Variant type: single nucleotide variant.
Coding change: c.1889C>T on transcript NM_024577.4 (MANE Select); coding-DNA position 1889, C replaced by T.
Protein change: p.Pro630Leu; replaces proline 630 with leucine.
Molecular consequence: missense variant.
Genome position (GRCh38, 1-based): chr5:149,027,843, G>A on the plus strand (C>T on the coding strand, the complement: SH3TC2 is on the minus strand). VCF-style: chr5-149027843-G-A. GRCh37 (hg19) VCF-style: chr5-148407406-G-A.
Other names: short protein forms P630L.
Identifiers: ClinVar variation 351909 (VCV000351909.13), dbSNP rs749260578, ClinGen allele CA3499099.